The following is an entry in ClinVar:

ClinVar aggregate classification (germline): Uncertain significance (1 of 4 stars; one submission).

Allele frequency attached by ClinVar (database versions not stated): TOPMed below 0.00001; ExAC 0.00002; gnomAD exomes 0.00002.
gnomAD v4.1: 11 of 1,614,144 alleles (0.00068%); highest among the groups gnomAD compares: East Asian, 0.025%; no homozygotes.

Submission:

Labcorp Genetics (formerly Invitae), Labcorp
Classification: Uncertain significance. Last evaluated: 2025-06-04. Review status: criteria provided, single submitter. Criteria: Invitae Variant Classification Sherloc (09022015). Collection method: clinical testing. Allele origin: germline.
Comment: This sequence change replaces cysteine, which is neutral and slightly polar, with arginine, which is basic and polar, at codon 30 of the GUCY2C protein (p.Cys30Arg). This variant is present in population databases (rs56142849, gnomAD 0.05%). This variant has not been reported in the literature in individuals affected with GUCY2C-related conditions. ClinVar contains an entry for this variant (Variation ID: 1904592). An algorithm developed to predict the effect of missense changes on protein structure and function (PolyPhen-2) suggests that this variant is likely to be disruptive. In summary, the available evidence is currently insufficient to determine the role of this variant in disease. Therefore, it has been classified as a Variant of Uncertain Significance.

NM_004963.4(GUCY2C):c.88T>C (p.Cys30Arg)

Genes: GUCY2C (guanylate cyclase 2C; minus strand), GUCY2C-AS1 (GUCY2C antisense RNA 1; plus strand). Cytogenetic location: 12p12.3.
Variant type: single nucleotide variant.
Coding change: c.88T>C on transcript NM_004963.4 (MANE Select); coding-DNA position 88, T replaced by C.
Protein change: p.Cys30Arg; replaces cysteine 30 with arginine.
Molecular consequence: missense variant.
Genome position (GRCh38, 1-based): chr12:14,696,361, A>G on the plus strand (T>C on the coding strand, the complement: GUCY2C is on the minus strand). VCF-style: chr12-14696361-A-G. GRCh37 (hg19) VCF-style: chr12-14849295-A-G.
Other names: short protein forms C30R.
Identifiers: ClinVar variation 1904592 (VCV001904592.5), dbSNP rs56142849, ClinGen allele CA6463848.